The following is an entry in ClinVar:

ClinVar aggregate classification (germline): Uncertain significance (1 of 4 stars; one submission).

Conditions:
Charcot-Marie-Tooth Neuropathy X. Identifiers: MedGen CN118851.

Submission:

Labcorp Genetics (formerly Invitae), Labcorp
Classification: Uncertain significance for Charcot-Marie-Tooth Neuropathy X. Last evaluated: 2022-07-25. Review status: criteria provided, single submitter. Criteria: Invitae Variant Classification Sherloc (09022015). Collection method: clinical testing. Allele origin: germline.
Comment: This sequence change replaces aspartic acid, which is acidic and polar, with glutamic acid, which is acidic and polar, at codon 278 of the GJB1 protein (p.Asp278Glu). This variant is not present in population databases (gnomAD no frequency). This variant has not been reported in the literature in individuals affected with GJB1-related conditions. ClinVar contains an entry for this variant (Variation ID: 1482857). Algorithms developed to predict the effect of missense changes on protein structure and function are either unavailable or do not agree on the potential impact of this missense change (SIFT: "Deleterious"; PolyPhen-2: "Benign"; Align-GVGD: "Class C0"). In summary, the available evidence is currently insufficient to determine the role of this variant in disease. Therefore, it has been classified as a Variant of Uncertain Significance.

NM_000166.6(GJB1):c.834C>A (p.Asp278Glu)

Gene: GJB1 (gap junction protein beta 1; plus strand). Cytogenetic location: Xq13.1.
Variant type: single nucleotide variant.
Coding change: c.834C>A on transcript NM_000166.6 (MANE Select); coding-DNA position 834, C replaced by A.
Protein change: p.Asp278Glu; replaces aspartic acid 278 with glutamic acid.
Molecular consequence: missense variant.
Genome position (GRCh38, 1-based): chrX:71,224,541, C>A. VCF-style: chrX-71224541-C-A. GRCh37 (hg19) VCF-style: chrX-70444391-C-A.
Other names: c.834C>A, p.Asp278Glu (NM_001097642.3); short protein forms D278E.
Identifiers: ClinVar variation 1482857 (VCV001482857.6), dbSNP rs1390397210, ClinGen allele CA413504425.